The following is an entry in ClinVar:

ClinVar aggregate classification (germline): Uncertain significance. Review status: criteria provided, multiple submitters, no conflicts (2 of 4 stars). 2 submissions from 2 submitters: Uncertain significance (2). Last evaluated 2025-12-10.

Conditions:
Familial adenomatous polyposis 1 (FAP1). Also called: FAMILIAL ADENOMATOUS POLYPOSIS 1, ATTENUATED; POLYPOSIS, ADENOMATOUS INTESTINAL. Identifiers: MedGen C2713442, MONDO:0021056, OMIM 175100. Disease mechanism: loss of function.
Hereditary cancer-predisposing syndrome. Also called: Tumor predisposition; Hereditary neoplastic syndrome; Neoplastic Syndromes, Hereditary; Hereditary Cancer Syndrome. Identifiers: Orphanet 140162, MedGen C0027672, MeSH D009386, MONDO:0015356.

Submissions (2):

Labcorp Genetics (formerly Invitae), Labcorp
Classification: Uncertain significance for Familial adenomatous polyposis 1. Last evaluated: 2025-12-10. Review status: criteria provided, single submitter. Criteria: Invitae Variant Classification Sherloc (09022015). Collection method: clinical testing. Allele origin: germline.
Comment: This sequence change replaces alanine, which is neutral and non-polar, with threonine, which is neutral and polar, at codon 379 of the APC protein (p.Ala379Thr). This variant is not present in population databases (gnomAD no frequency). This variant has not been reported in the literature in individuals affected with APC-related conditions. ClinVar contains an entry for this variant (Variation ID: 818409). Invitae Evidence Modeling of protein sequence and biophysical properties (such as structural, functional, and spatial information, amino acid conservation, physicochemical variation, residue mobility, and thermodynamic stability) indicates that this missense variant is not expected to disrupt APC protein function with a negative predictive value of 95%. In summary, the available evidence is currently insufficient to determine the role of this variant in disease. Therefore, it has been classified as a Variant of Uncertain Significance.

Ambry Genetics
Classification: Uncertain significance for Hereditary cancer-predisposing syndrome. Last evaluated: 2023-11-17. Review status: criteria provided, single submitter. Criteria: Ambry Variant Classification Scheme 2023. Collection method: clinical testing. Allele origin: germline.
Comment: The p.A379T variant (also known as c.1135G>A), located in coding exon 9 of the APC gene, results from a G to A substitution at nucleotide position 1135. The alanine at codon 379 is replaced by threonine, an amino acid with similar properties. This amino acid position is highly conserved in available vertebrate species. In addition, in silico predictors for this gene do not accurately predict pathogenicity. Since supporting evidence is limited at this time, the clinical significance of this alteration remains unclear.

NM_000038.6(APC):c.1135G>A (p.Ala379Thr)

Gene: APC (APC regulator of Wnt signaling pathway; plus strand). Cytogenetic location: 5q22.2.
Variant type: single nucleotide variant.
Coding change: c.1135G>A on transcript NM_000038.6 (MANE Select); coding-DNA position 1135, G replaced by A.
Protein change: p.Ala379Thr; replaces alanine 379 with threonine.
Molecular consequence: missense variant. On other transcripts: intron variant (4).
Genome position (GRCh38, 1-based): chr5:112,819,167, G>A. VCF-style: chr5-112819167-G-A. GRCh37 (hg19) VCF-style: chr5-112154864-G-A.
Other names: c.1135G>A, p.Ala379Thr (NM_001127510.3, NM_001354895.2, NM_001354896.2); c.1081G>A, p.Ala361Thr (NM_001127511.3); c.1165G>A, p.Ala389Thr (NM_001354897.2); c.1060G>A, p.Ala354Thr (NM_001354898.2); c.1051G>A, p.Ala351Thr (NM_001354899.2); c.958G>A, p.Ala320Thr (NM_001354900.2, NM_001354901.2); c.286G>A, p.Ala96Thr (NM_001354906.2); c.964-102G>A (NM_001354902.2); and 3 more; short protein forms A351T, A361T, A320T, A354T, A379T, A389T, A96T.
Identifiers: ClinVar variation 818409 (VCV000818409.10), dbSNP rs1580529673, ClinGen allele CA16023794.